The following is an entry in ClinVar:

NM_001277058.2(ERCC6):c.3166G>A (p.Val1056Ile)

Genes: ERCC6 (ERCC excision repair 6, chromatin remodeling factor; minus strand), PGBD3 (piggyBac transposable element derived 3; minus strand). Cytogenetic location: 10q11.23.
Variant type: single nucleotide variant.
Coding change: c.3166G>A on transcript NM_001277058.2 (MANE Plus Clinical); coding-DNA position 3166, G replaced by A.
Protein change: p.Val1056Ile; replaces valine 1056 with isoleucine.
Molecular consequence: missense variant. On other transcripts: intron variant (2).
Genome position (GRCh38, 1-based): chr10:49,515,353, C>T on the plus strand (G>A on the coding strand, the complement: ERCC6 is on the minus strand). VCF-style: chr10-49515353-C-T. GRCh37 (hg19) VCF-style: chr10-50723399-C-T.
Other names: c.3166G>A, p.Val1056Ile (NM_001277059.2); c.1762G>A, p.Val588Ile (NM_170753.3); c.1397+8680G>A (NM_001346440.2, NM_000124.4); short protein forms V1056I, V588I.
Identifiers: ClinVar variation 2429127 (VCV002429127.5), dbSNP rs375175948, ClinGen allele CA5496003.

ClinVar aggregate classification (germline): Conflicting classifications of pathogenicity. Review status: criteria provided, conflicting classifications (1 of 4 stars). 2 submissions from 2 submitters: Uncertain significance (1); Likely benign (1). Last evaluated 2024-12-21.

Allele frequency attached by ClinVar (database versions not stated): ExAC 0.00003; gnomAD 0.00005; ESP Exome Variant Server 0.00008; TOPMed 0.00004.
gnomAD v4.1: 36 of 1,610,852 alleles (0.0022%); highest among the groups gnomAD compares: African/African-American, 0.0067%; no homozygotes.

Submissions (2):

GeneDx
Classification: Uncertain significance. Last evaluated: 2024-12-21. Review status: criteria provided, single submitter. Criteria: GeneDx Variant Classification Process June 2021. Collection method: clinical testing. Allele origin: germline. Affected: yes.
Comment: Reported using an alternate transcript of the gene; In silico analysis indicates that this variant does not alter splicing; Has not been previously published as pathogenic or benign in association with ERCC6-related impaired nucleotide-excision repair disorder to our knowledge; This variant is associated with the following publications: (PMID: 37430352, 35975393, 33538981, 36597107, 26218421)

Women's Health and Genetics/Laboratory Corporation of America, LabCorp
Classification: Likely benign. Last evaluated: 2024-04-05. Review status: criteria provided, single submitter. Criteria: LabCorp Variant Classification Summary - May 2015. Collection method: clinical testing. Allele origin: germline.
Comment: Variant summary: ERCC6 c.1397+8680G>A is located at a position not widely known to affect splicing. Consensus agreement among computation tools predict no significant impact on normal splicing. However, these predictions have yet to be confirmed by functional studies. The variant allele was found at a frequency of 2e-05 in 248568 control chromosomes. The available data on variant occurrences in the general population are insufficient to allow any conclusion about variant significance. c.1397+8680G>A has been reported in the literature in individuals affected with Cockayne Syndrome. However, in a different transcript NM_001277058.2 this variant results in c.3166G>A (p.V1056I) and has been reported in one individual with Ovarian insufficiency (e.g. Qin_2015). This report does not provide unequivocal conclusions about association of the variant with Cockayne Syndrome. To our knowledge, no experimental evidence demonstrating an impact on protein function has been reported. The following publication has been ascertained in the context of this evaluation (PMID: 26218421). ClinVar contains an entry for this variant (Variation ID: 2429127). Based on the evidence outlined above, the variant was classified as likely benign.

Literature cited by the submitters: PubMed 26218421 (cited by Women's Health and Genetics/Laboratory Corporation of America, LabCorp).